The following is an entry in ClinVar:

NM_032315.3(SLC25A33):c.*4G>T

Gene: SLC25A33 (solute carrier family 25 member 33; plus strand). Cytogenetic location: 1p36.22.
Variant type: single nucleotide variant.
Coding change: c.*4G>T on transcript NM_032315.3 (MANE Select); 4 bases downstream of the stop codon, G replaced by T.
Molecular consequence: 3 prime UTR variant.
Genome position (GRCh38, 1-based): chr1:9,582,505, G>T. VCF-style: chr1-9582505-G-T. GRCh37 (hg19) VCF-style: chr1-9642563-G-T.
Identifiers: ClinVar variation 3041336 (VCV003041336.2), dbSNP rs188152435, ClinGen allele CA576068.

ClinVar aggregate classification (germline): Likely benign (0 of 4 stars; one submission).

Conditions:
SLC25A33-related disorder. Also called: SLC25A33-related condition.

Allele frequency attached by ClinVar (database versions not stated): 1000 Genomes Project 30x 0.00016.
gnomAD v4.1: 157 of 1,607,854 alleles (0.0098%); highest among the groups gnomAD compares: South Asian, 0.1%; 1 homozygote.

Submission:

PreventionGenetics, part of Exact Sciences
Classification: Likely benign for SLC25A33-related condition. Last evaluated: 2019-07-31. Review status: no assertion criteria provided. Collection method: clinical testing. Allele origin: germline.
Comment: This variant is classified as likely benign based on ACMG/AMP sequence variant interpretation guidelines (Richards et al. 2015 PMID: 25741868, with internal and published modifications).